The following is an entry in ClinVar:

NM_014727.3(KMT2B):c.*4C>T

Gene: KMT2B (lysine methyltransferase 2B; plus strand). Cytogenetic location: 19q13.12.
Variant type: single nucleotide variant.
Coding change: c.*4C>T on transcript NM_014727.3 (MANE Select); 4 bases downstream of the stop codon, C replaced by T.
Molecular consequence: 3 prime UTR variant.
Genome position (GRCh38, 1-based): chr19:35,738,561, C>T. VCF-style: chr19-35738561-C-T. GRCh37 (hg19) VCF-style: chr19-36229462-C-T.
Identifiers: ClinVar variation 3050260 (VCV003050260.2), dbSNP rs200375413, ClinGen allele CA9386112.

ClinVar aggregate classification (germline): Likely benign (0 of 4 stars; one submission).

Conditions:
KMT2B-related disorder. Also called: KMT2B-related condition; KMT2B-related disorders. Identifiers: MedGen CN381338.

Allele frequency attached by ClinVar (database versions not stated): gnomAD exomes 0.00001; ExAC 0.00002.
gnomAD v4.1: 22 of 1,609,362 alleles (0.0014%); highest among the groups gnomAD compares: African/African-American, 0.008%; no homozygotes.

Submission:

PreventionGenetics, part of Exact Sciences
Classification: Likely benign for KMT2B-related condition. Last evaluated: 2019-07-15. Review status: no assertion criteria provided. Collection method: clinical testing. Allele origin: germline.
Comment: This variant is classified as likely benign based on ACMG/AMP sequence variant interpretation guidelines (Richards et al. 2015 PMID: 25741868, with internal and published modifications).